The following is an entry in ClinVar:

ClinVar aggregate classification (germline): Likely benign. Review status: criteria provided, multiple submitters, no conflicts (2 of 4 stars). 5 submissions from 5 submitters: Likely benign (5). Last evaluated 2025-11-12.

Conditions:
Malignant hyperthermia, susceptibility to, 1 (MHS1). Also called: Anesthesia related hyperthermia; Malignant hyperpyrexia; Fulminating hyperpyrexia; Pharmacogenic myopathy; Malignant hyperthermia suceptibility 1; RYR1-Related Malignant Hyperthermia Susceptibility. Identifiers: Orphanet 423, MedGen C2930980, MONDO:0007783, OMIM 145600.
RYR1-related disorder. Also called: RYR1-related condition; RYR1-related disorders. Identifiers: MedGen CN239331.

Allele frequency attached by ClinVar (database versions not stated): ExAC below 0.00001; gnomAD exomes 0.00001; gnomAD 0.00003; TOPMed 0.00004.
gnomAD v4.1: 28 of 1,551,970 alleles (0.0018%); highest among the groups gnomAD compares: East Asian, 0.012%; no homozygotes.

Submissions (5):

Labcorp Genetics (formerly Invitae), Labcorp
Classification: Likely benign for RYR1-related disorder. Last evaluated: 2025-11-12. Review status: criteria provided, single submitter. Criteria: Invitae Variant Classification Sherloc (09022015). Collection method: clinical testing. Allele origin: germline.

All of Us Research Program, National Institutes of Health
Classification: Likely benign for Malignant hyperthermia, susceptibility to, 1. Last evaluated: 2023-12-18. Review status: criteria provided, single submitter. Criteria: ACMG Guidelines, 2015. Collection method: clinical testing. Allele origin: germline. Inheritance: Autosomal dominant inheritance. Observed: 11 variant alleles, 11 heterozygotes.
Comment: This study involves interpretation of variants in research participants for the purpose of population health screening. Participant phenotype was not available at the time of variant classification. Additional details can be found in publication PMID: 35346344, PMCID: PMC8962531

Color Diagnostics, LLC DBA Color Health
Classification: Likely benign for Malignant hyperthermia, susceptibility to, 1. Last evaluated: 2022-11-06. Review status: criteria provided, single submitter. Criteria: ACMG Guidelines, 2015. Collection method: clinical testing. Allele origin: germline.

Blueprint Genetics
Classification: Likely benign. Last evaluated: 2021-10-11. Review status: criteria provided, single submitter. Criteria: ACMG Guidelines, 2015. Collection method: clinical testing. Allele origin: germline.

PreventionGenetics, part of Exact Sciences
Classification: Likely benign. Last evaluated: 2018-07-31. Review status: criteria provided, single submitter. Criteria: ACMG Guidelines, 2015. Collection method: clinical testing. Allele origin: germline.

NM_000540.3(RYR1):c.9606G>A (p.Pro3202=)

Gene: RYR1 (ryanodine receptor 1; plus strand). Cytogenetic location: 19q13.2.
Variant type: single nucleotide variant.
Coding change: c.9606G>A on transcript NM_000540.3 (MANE Select); coding-DNA position 9606, G replaced by A.
Protein change: p.Pro3202=; no amino-acid change (proline 3202 retained).
Molecular consequence: synonymous variant.
Genome position (GRCh38, 1-based): chr19:38,516,138, G>A. VCF-style: chr19-38516138-G-A. GRCh37 (hg19) VCF-style: chr19-39006778-G-A.
Other names: c.9606G>A, p.Pro3202= (NM_001042723.2).
Identifiers: ClinVar variation 590635 (VCV000590635.14), dbSNP rs754842988, ClinGen allele CA073888.
Genomic context (GRCh38, chr19:38,516,138, plus strand): 5'-GTCTTCCAGGCTTCGGCCAGCCCTCGGGGAGTGCCTGGCCCGTCTGGCAGCAGCCATGCC[G>A]GTGGCGTTCCTGGAGCCGCAGCTGAACGAGTACAACGCCTGCTCCGTGTACACCACCAAG-3'
Protein context (NP_000531.2, residues 3192-3212): ECLARLAAAM[Pro3202=]VAFLEPQLNE